The following is an entry in ClinVar:

NM_024312.5(GNPTAB):c.2250del (p.Gln751fs)

Gene: GNPTAB (N-acetylglucosamine-1-phosphate transferase subunits alpha and beta; minus strand). Cytogenetic location: 12q23.2.
Variant type: Deletion.
Coding change: c.2250del on transcript NM_024312.5 (MANE Select); coding-DNA position 2250, one base deleted (T; older notation c.2250delT).
Protein change: p.Gln751fs; shifts the reading frame from glutamine 751.
Molecular consequence: frameshift variant.
Genome position (GRCh38, 1-based): chr12:101,764,667, A deleted on the plus strand (T on the coding strand, the reverse complement: GNPTAB is on the minus strand). VCF-style (leftmost placement, unchanged base first): chr12-101764666-GA-G. GRCh37 (hg19) VCF-style: chr12-102158444-GA-G.
Other names: short protein forms Q751fs.
Identifiers: ClinVar variation 863726 (VCV000863726.7), dbSNP rs1953058345, ClinGen allele CA916083332.

ClinVar aggregate classification (germline): Pathogenic (1 of 4 stars; one submission).

Conditions:
Mucolipidosis type II. Also called: Mucolipidosis II Alpha/Beta; ML II ALPHA/BETA; Mucolipidosis 2; ML 2; Inclusion cell disease; Leroy Disease. Identifiers: Orphanet 576, MedGen C2673377, MONDO:0009650, OMIM 252500.
Pseudo-Hurler polydystrophy. Also called: MUCOLIPIDOSIS IIIA; ML III; ML III ALPHA/BETA; Type III Mucolipidosis; Mucolipidosis III Alpha/Beta; ML IIIA. Identifiers: Orphanet 423461, Orphanet 577, MedGen C0033788, MONDO:0018931, OMIM 252600.

Submission:

Labcorp Genetics (formerly Invitae), Labcorp
Classification: Pathogenic for Pseudo-Hurler polydystrophy; Mucolipidosis type II. Last evaluated: 2019-02-07. Review status: criteria provided, single submitter. Criteria: Invitae Variant Classification Sherloc (09022015). Collection method: clinical testing. Allele origin: germline.
Comment: This variant has not been reported in the literature in individuals with GNPTAB-related conditions. This variant is not present in population databases (ExAC no frequency). This sequence change creates a premature translational stop signal (p.Gln751Lysfs*3) in the GNPTAB gene. It is expected to result in an absent or disrupted protein product. Loss-of-function variants in GNPTAB are known to be pathogenic (PMID: 19617216, 25107912). For these reasons, this variant has been classified as Pathogenic.

Literature cited by the submitters: PubMed 19617216; PubMed 25107912.